The following is an entry in ClinVar:

NM_001100913.3(PACS2):c.252C>A (p.Pro84=)

Gene: PACS2 (phosphofurin acidic cluster sorting protein 2; plus strand). Cytogenetic location: 14q32.33.
Variant type: single nucleotide variant.
Coding change: c.252C>A on transcript NM_001100913.3 (MANE Select); coding-DNA position 252, C replaced by A.
Protein change: p.Pro84=; no amino-acid change (proline 84 retained).
Molecular consequence: synonymous variant.
Genome position (GRCh38, 1-based): chr14:105,352,422, C>A. VCF-style: chr14-105352422-C-A. GRCh37 (hg19) VCF-style: chr14-105818759-C-A.
Other names: c.252C>A, p.Pro84= (NM_015197.4); c.51C>A, p.Pro17= (NM_001243127.3).
Identifiers: ClinVar variation 2644916 (VCV002644916.24), dbSNP rs375387252, ClinGen allele CA7388304.

ClinVar aggregate classification (germline): Likely benign (1 of 4 stars; one submission).

Allele frequency attached by ClinVar (database versions not stated): 1000 Genomes Project 30x 0.00016; 1000 Genomes Project 0.00020.
gnomAD v4.1: 22 of 1,613,010 alleles (0.0014%); highest among the groups gnomAD compares: East Asian, 0.038%; no homozygotes.

Submission:

CeGaT Center for Human Genetics Tuebingen
Classification: Likely benign. Last evaluated: 2022-03-01. Review status: criteria provided, single submitter. Criteria: CeGaT Center For Human Genetics Tuebingen Variant Classification Criteria Version 2. Collection method: clinical testing. Allele origin: germline. Affected: yes. Observed: 1 variant allele.
Comment: PACS2: BP4, BP7